The following is an entry in ClinVar:

NM_015021.3(ZNF292):c.2063G>C (p.Cys688Ser)

Gene: ZNF292 (zinc finger protein 292; plus strand). Cytogenetic location: 6q14.3.
Variant type: single nucleotide variant.
Coding change: c.2063G>C on transcript NM_015021.3 (MANE Select); coding-DNA position 2063, G replaced by C.
Protein change: p.Cys688Ser; replaces cysteine 688 with serine.
Molecular consequence: missense variant.
Genome position (GRCh38, 1-based): chr6:87,255,692, G>C. VCF-style: chr6-87255692-G-C. GRCh37 (hg19) VCF-style: chr6-87965410-G-C.
Other names: c.1643G>C, p.Cys548Ser (NM_001351444.2); short protein forms C548S, C688S.
Identifiers: ClinVar variation 4086433 (VCV004086433.1).

ClinVar aggregate classification (germline): Uncertain significance (1 of 4 stars; one submission).

Submission:

GeneDx
Classification: Uncertain significance. Last evaluated: 2025-03-21. Review status: criteria provided, single submitter. Criteria: GeneDx Variant Classification Process June 2021. Collection method: clinical testing. Allele origin: germline. Affected: yes.
Comment: Not observed at significant frequency in large population cohorts (gnomAD); In silico analysis supports that this missense variant has a deleterious effect on protein structure/function; Has not been previously published as pathogenic or benign to our knowledge